The following is an entry in ClinVar:

ClinVar aggregate classification (germline): Uncertain significance (1 of 4 stars; one submission).

Conditions:
Hereditary cancer-predisposing syndrome. Also called: Tumor predisposition; Hereditary neoplastic syndrome; Neoplastic Syndromes, Hereditary; Hereditary Cancer Syndrome. Identifiers: Orphanet 140162, MedGen C0027672, MeSH D009386, MONDO:0015356.

Submission:

Ambry Genetics
Classification: Uncertain significance for Hereditary cancer-predisposing syndrome. Last evaluated: 2025-04-07. Review status: criteria provided, single submitter. Criteria: Ambry Variant Classification Scheme 2023. Collection method: clinical testing. Allele origin: germline.
Comment: The p.K285N variant (also known as c.855A>C), located in coding exon 3 of the BLM gene, results from an A to C substitution at nucleotide position 855. The lysine at codon 285 is replaced by asparagine, an amino acid with similar properties. This amino acid position is conserved. In addition, this alteration is predicted to be tolerated by in silico analysis. Based on the available evidence, the clinical significance of this variant remains unclear.

NM_000057.4(BLM):c.855A>C (p.Lys285Asn)

Gene: BLM (BLM RecQ like helicase; plus strand). Cytogenetic location: 15q26.1.
Variant type: single nucleotide variant.
Coding change: c.855A>C on transcript NM_000057.4 (MANE Select); coding-DNA position 855, A replaced by C.
Protein change: p.Lys285Asn; replaces lysine 285 with asparagine.
Molecular consequence: missense variant. On other transcripts: 5 prime UTR variant (1).
Genome position (GRCh38, 1-based): chr15:90,751,842, A>C. VCF-style: chr15-90751842-A-C. GRCh37 (hg19) VCF-style: chr15-91295072-A-C.
Other names: c.855A>C, p.Lys285Asn (NM_001287246.2, NM_001287247.2); c.-437A>C (NM_001287248.2); short protein forms K285N.
Identifiers: ClinVar variation 3991639 (VCV003991639.1).